The following is an entry in ClinVar:

NM_001111125.3(IQSEC2):c.2052C>A (p.Cys684Ter)

Gene: IQSEC2 (IQ motif and Sec7 domain ArfGEF 2; minus strand). Cytogenetic location: Xp11.22.
Variant type: single nucleotide variant.
Coding change: c.2052C>A on transcript NM_001111125.3 (MANE Select); coding-DNA position 2052, C replaced by A.
Protein change: p.Cys684Ter; replaces cysteine 684 with a stop codon.
Molecular consequence: nonsense.
Genome position (GRCh38, 1-based): chrX:53,250,524, G>T on the plus strand (C>A on the coding strand, the complement: IQSEC2 is on the minus strand). VCF-style: chrX-53250524-G-T. GRCh37 (hg19) VCF-style: chrX-53279706-G-T.
Other names: c.2052C>A, p.Cys684Ter (NM_001410736.1); c.1437C>A, p.Cys479Ter (NM_015075.2); short protein forms C479*, C684*.
Identifiers: ClinVar variation 1708290 (VCV001708290.2), dbSNP rs782132072, ClinGen allele CA413162542.
Genomic context (GRCh38, chrX:53,250,524, plus strand): 5'-ATTGCTGGAGCTCTCAAGGCTCTCGTTATCTCCACCATCAGAGTTCTCGCCTGCTGCCTC[G>T]CACTTCCCCAACCTCCGACCCCCAGCCACACCACTGGGCCCAGTGCCACTGTTGGGGGCT-3'

ClinVar aggregate classification (germline): Pathogenic (1 of 4 stars; one submission).

Submission:

Centre of Medical Genetics, University Hospital Muenster
Classification: Pathogenic. Last evaluated: 2021-06-14. Review status: criteria provided, single submitter. Criteria: ACMG Guidelines, 2015. Collection method: clinical testing. Allele origin: de novo. Affected: yes. Observed: 1 variant allele, 1 heterozygote.
Comment: ACMG categories: PVS1,PS1,PS2,PS4,PM2,PP3